The following is an entry in ClinVar:

ClinVar aggregate classification (germline): Uncertain significance (1 of 4 stars; one submission).

Submission:

GeneDx
Classification: Uncertain significance. Last evaluated: 2024-04-25. Review status: criteria provided, single submitter. Criteria: GeneDx Variant Classification Process June 2021. Collection method: clinical testing. Allele origin: germline. Affected: yes.
Comment: Not observed at significant frequency in large population cohorts (gnomAD); In silico analysis indicates that this missense variant does not alter protein structure/function; Has not been previously published as pathogenic or benign to our knowledge

NM_002887.4(RARS1):c.675T>G (p.Phe225Leu)

Gene: RARS1 (arginyl-tRNA synthetase 1; plus strand). Cytogenetic location: 5q34.
Variant type: single nucleotide variant.
Coding change: c.675T>G on transcript NM_002887.4 (MANE Select); coding-DNA position 675, T replaced by G.
Protein change: p.Phe225Leu; replaces phenylalanine 225 with leucine.
Molecular consequence: missense variant.
Genome position (GRCh38, 1-based): chr5:168,495,410, T>G. VCF-style: chr5-168495410-T-G. GRCh37 (hg19) VCF-style: chr5-167922415-T-G.
Other names: short protein forms F225L.
Identifiers: ClinVar variation 3373058 (VCV003373058.1).